The following is an entry in ClinVar:

NM_130837.3(OPA1):c.2372C>T (p.Ser791Phe)

Gene: OPA1 (OPA1 mitochondrial dynamin like GTPase; plus strand). Cytogenetic location: 3q29.
Variant type: single nucleotide variant.
Coding change: c.2372C>T on transcript NM_130837.3 (MANE Select); coding-DNA position 2372, C replaced by T.
Protein change: p.Ser791Phe; replaces serine 791 with phenylalanine.
Molecular consequence: missense variant.
Genome position (GRCh38, 1-based): chr3:193,658,927, C>T. VCF-style: chr3-193658927-C-T. GRCh37 (hg19) VCF-style: chr3-193376716-C-T.
Other names: c.1838C>T, p.Ser613Phe (NM_001354663.2); c.1835C>T, p.Ser612Phe (NM_001354664.2); c.2207C>T, p.Ser736Phe (NM_015560.3); c.2099C>T, p.Ser700Phe (NM_130831.3); c.2153C>T, p.Ser718Phe (NM_130832.3); c.2210C>T, p.Ser737Phe (NM_130833.3); c.2261C>T, p.Ser754Phe (NM_130834.3); c.2264C>T, p.Ser755Phe (NM_130835.3); and 1 more; short protein forms S612F, S613F, S700F, S718F, S736F, S737F, S754F, S755F.
Identifiers: ClinVar variation 3615962 (VCV003615962.2).

ClinVar aggregate classification (germline): Uncertain significance (1 of 4 stars; one submission).

Submission:

Labcorp Genetics (formerly Invitae), Labcorp
Classification: Uncertain significance. Last evaluated: 2024-02-08. Review status: criteria provided, single submitter. Criteria: Invitae Variant Classification Sherloc (09022015). Collection method: clinical testing. Allele origin: germline.
Comment: This sequence change replaces serine, which is neutral and polar, with phenylalanine, which is neutral and non-polar, at codon 736 of the OPA1 protein (p.Ser736Phe). This variant is not present in population databases (gnomAD no frequency). This variant has not been reported in the literature in individuals affected with OPA1-related conditions. Advanced modeling of protein sequence and biophysical properties (such as structural, functional, and spatial information, amino acid conservation, physicochemical variation, residue mobility, and thermodynamic stability) performed at Invitae indicates that this missense variant is not expected to disrupt OPA1 protein function with a negative predictive value of 80%. In summary, the available evidence is currently insufficient to determine the role of this variant in disease. Therefore, it has been classified as a Variant of Uncertain Significance.